The following is an entry in ClinVar:

ClinVar aggregate classification (germline): Conflicting classifications of pathogenicity. Review status: criteria provided, conflicting classifications (1 of 4 stars). 5 submissions from 4 submitters: Pathogenic (1); Uncertain significance (1). 3 of the submissions do not count toward it. Last evaluated 2024-03-14.

Conditions:
Juvenile arthritis due to defect in LACC1. Also called: Juvenile arthritis. Identifiers: MedGen CN263340, MONDO:0032920, OMIM 618795.

Submissions (5):

Genomic Medicine Center of Excellence, King Faisal Specialist Hospital and Research Centre
Classification: Uncertain significance for Juvenile arthritis. Last evaluated: 2024-03-14. Review status: criteria provided, single submitter. Criteria: ACMG Guidelines, 2015. Collection method: clinical testing. Allele origin: germline.

Baylor Genetics
Classification: Pathogenic for Juvenile arthritis due to defect in LACC1. Last evaluated: 2020-06-09. Review status: criteria provided, single submitter. Criteria: ACMG Guidelines, 2015. Collection method: clinical testing. Allele origin: unknown. Affected: yes.
Comment: This variant was determined to be pathogenic according to ACMG Guidelines, 2015 [PMID:25741868].

Biochemical Molecular Genetic Laboratory, King Abdulaziz Medical City
Classification: Likely pathogenic for Juvenile arthritis due to defect in LACC1. Last evaluated: 2020-09-10. Review status: no assertion criteria provided. Collection method: clinical testing. Allele origin: germline. Affected: yes. Not counted in ClinVar's aggregate classification.

OMIM
Classification: Pathogenic for JUVENILE ARTHRITIS. Last evaluated: 2015-01-01. Review status: no assertion criteria provided. Collection method: literature only. Allele origin: germline. Not counted in ClinVar's aggregate classification.

Genomic Medicine Center of Excellence, King Faisal Specialist Hospital and Research Centre
Classification: Likely pathogenic. Last evaluated: 2014-08-21. Review status: flagged submission. Criteria: Submitter's publication. Collection method: research. Allele origin: germline. Affected: yes. Not counted in ClinVar's aggregate classification.
ClinVar note: Reason: This record appears to be redundant with a more recent record from the same submitter.
ClinVar note: Notes: SCV000223688 appears to be redundant with SCV005038859.

Literature cited by the submitters: PubMed 25220867 (cited by OMIM).

NM_153218.4(LACC1):c.850T>C (p.Cys284Arg)

Gene: LACC1 (laccase domain containing 1; plus strand). Cytogenetic location: 13q14.11.
Variant type: single nucleotide variant.
Coding change: c.850T>C on transcript NM_153218.4 (MANE Select); coding-DNA position 850, T replaced by C.
Protein change: p.Cys284Arg; replaces cysteine 284 with arginine.
Molecular consequence: missense variant.
Genome position (GRCh38, 1-based): chr13:43,883,879, T>C. VCF-style: chr13-43883879-T-C. GRCh37 (hg19) VCF-style: chr13-44458015-T-C.
Other names: c.850T>C, p.Cys284Arg (NM_001128303.2, NM_001350638.2, NM_001350639.2 and 4 more transcripts); c.82T>C, p.Cys28Arg (NM_001350644.2, NM_001350645.2, NM_001350646.2 and 2 more transcripts); short protein forms C284R, C28R.
Identifiers: ClinVar variation 180673 (VCV000180673.5), dbSNP rs730880295, ClinGen allele CA235296.